The following is an entry in ClinVar:

ClinVar aggregate classification (germline): Uncertain significance. Review status: criteria provided, multiple submitters, no conflicts (2 of 4 stars). 3 submissions from 3 submitters: Uncertain significance (3). Last evaluated 2023-05-08.

Conditions:
Inborn genetic diseases. Identifiers: MedGen C0950123, MeSH D030342.

Allele frequency attached by ClinVar (database versions not stated): gnomAD exomes 0.00002 and 0.00004; gnomAD 0.00003 and 0.00004; ExAC 0.00004; ESP Exome Variant Server 0.00008.

Submissions (3):

Ambry Genetics
Classification: Uncertain significance for Inborn genetic diseases. Last evaluated: 2023-05-08. Review status: criteria provided, single submitter. Criteria: Ambry Variant Classification Scheme 2023. Collection method: clinical testing. Allele origin: germline.

Labcorp Genetics (formerly Invitae), Labcorp
Classification: Uncertain significance. Last evaluated: 2022-09-27. Review status: criteria provided, single submitter. Criteria: Invitae Variant Classification Sherloc (09022015). Collection method: clinical testing. Allele origin: germline.
Comment: This sequence change replaces aspartic acid, which is acidic and polar, with tyrosine, which is neutral and polar, at codon 1737 of the GPR179 protein (p.Asp1737Tyr). This variant is present in population databases (rs368156162, gnomAD 0.04%). This variant has not been reported in the literature in individuals affected with GPR179-related conditions. ClinVar contains an entry for this variant (Variation ID: 1356428). Algorithms developed to predict the effect of missense changes on protein structure and function (SIFT, PolyPhen-2, Align-GVGD) all suggest that this variant is likely to be tolerated. In summary, the available evidence is currently insufficient to determine the role of this variant in disease. Therefore, it has been classified as a Variant of Uncertain Significance.

Breakthrough Genomics
Classification: Uncertain significance. Review status: criteria provided, single submitter. Criteria: ACMG Guidelines, 2015. Collection method: not provided. Allele origin: germline. Inheritance: Autosomal recessive inheritance. Affected: yes.

NM_001004334.4(GPR179):c.5209G>T (p.Asp1737Tyr)

Gene: GPR179 (G protein-coupled receptor 179; minus strand). Cytogenetic location: 17q12.
Variant type: single nucleotide variant.
Coding change: c.5209G>T on transcript NM_001004334.4 (MANE Select); coding-DNA position 5209, G replaced by T.
Protein change: p.Asp1737Tyr; replaces aspartic acid 1737 with tyrosine.
Molecular consequence: missense variant.
Genome position (GRCh38, 1-based): chr17:38,328,360, C>A on the plus strand (G>T on the coding strand, the complement: GPR179 is on the minus strand). VCF-style: chr17-38328360-C-A. GRCh37 (hg19) VCF-style: chr17-36484243-C-A.
Other names: c.5209G>T (NM_001004334.2); short protein forms D1737Y.
Identifiers: ClinVar variation 1356428 (VCV001356428.10), dbSNP rs368156162, ClinGen allele CA290103694.
Genomic context (GRCh38, chr17:38,328,360, plus strand): 5'-CTGGGGTTGGCTTCTGTGGCTTCTCTGGAGCAGTAACAGCTCTCTCCCTGGGTCCAAGAT[C>A]TGCAGAAACCTTGCCTGTATCATTTGGAGATTTCCTAATGGCCTCAGCTCCCAAAGCCCT-3'
Protein context (NP_001004334.3, residues 1727-1747): SPNDTGKVSA[Asp1737Tyr]LGPRERAVTA